The following is an entry in ClinVar:

NM_006031.6(PCNT):c.2314C>G (p.Leu772Val)

Gene: PCNT (pericentrin; plus strand). Cytogenetic location: 21q22.3.
Variant type: single nucleotide variant.
Coding change: c.2314C>G on transcript NM_006031.6 (MANE Select); coding-DNA position 2314, C replaced by G.
Protein change: p.Leu772Val; replaces leucine 772 with valine.
Molecular consequence: missense variant.
Genome position (GRCh38, 1-based): chr21:46,363,639, C>G. VCF-style: chr21-46363639-C-G. GRCh37 (hg19) VCF-style: chr21-47783554-C-G.
Other names: c.1960C>G, p.Leu654Val (NM_001315529.2); short protein forms L654V, L772V.
Identifiers: ClinVar variation 4984612 (VCV004984612.1).

ClinVar aggregate classification (germline): Uncertain significance (1 of 4 stars; one submission).

Conditions:
PCNT-related disorder. Also called: PCNT-related condition.

gnomAD v4.1: 2 of 1,614,090 alleles (0.00012%); highest among the groups gnomAD compares: African/African-American, 0.0013%; no homozygotes.

Submission:

PreventionGenetics, part of Exact Sciences
Classification: Uncertain significance for PCNT-related condition. Last evaluated: 2024-12-05. Review status: criteria provided, single submitter. Criteria: ACMG Guidelines, 2015. Collection method: clinical testing. Allele origin: germline.
Comment: The PCNT c.2314C>G variant is predicted to result in the amino acid substitution p.Leu772Val. To our knowledge, this variant has not been reported in the literature or in a large population database (gnomAD), indicating this variant is rare. At this time, the clinical significance of this variant is uncertain due to the absence of conclusive functional and genetic evidence.